The following is an entry in ClinVar:

ClinVar aggregate classification (germline): Benign (1 of 4 stars; one submission).

Allele frequency attached by ClinVar (database versions not stated): gnomAD 0.25474 and 0.25822; TOPMed 0.26989; 1000 Genomes Project 30x 0.32042; 1000 Genomes Project 0.32608.

Submission:

GeneDx
Classification: Benign. Last evaluated: 2018-06-14. Review status: criteria provided, single submitter. Criteria: GeneDx Variant Classification (06012015). Collection method: clinical testing. Allele origin: germline. Affected: yes.
Comment: This variant is considered likely benign or benign based on one or more of the following criteria: it is a conservative change, it occurs at a poorly conserved position in the protein, it is predicted to be benign by multiple in silico algorithms, and/or has population frequency not consistent with disease.

NM_014049.5(ACAD9):c.245-285A>C

Gene: ACAD9 (acyl-CoA dehydrogenase family member 9; plus strand). Cytogenetic location: 3q21.3.
Variant type: single nucleotide variant.
Coding change: c.245-285A>C on transcript NM_014049.5 (MANE Select); 285 bases into the intron before coding-DNA position 245, A replaced by C.
Molecular consequence: intron variant.
Genome position (GRCh38, 1-based): chr3:128,893,270, A>C. VCF-style: chr3-128893270-A-C. GRCh37 (hg19) VCF-style: chr3-128612113-A-C.
Identifiers: ClinVar variation 682733 (VCV000682733.1), dbSNP rs1683811, ClinGen allele CA11420187.